The following is an entry in ClinVar:

ClinVar aggregate classification (germline): Uncertain significance (1 of 4 stars; one submission).

gnomAD v4.1: 2 of 1,539,662 alleles (0.00013%); highest among the groups gnomAD compares: African/African-American, 0.0028%; no homozygotes.

Submission:

Mayo Clinic Laboratories, Mayo Clinic
Classification: Uncertain significance. Last evaluated: 2025-06-04. Review status: criteria provided, single submitter. Criteria: ACMG Guidelines, 2015. Collection method: clinical testing. Allele origin: germline. Observed: 1 variant allele.
Comment: BP4_moderate, PM2_supporting

NM_001384732.1(CPLANE1):c.2663A>T (p.Asp888Val)

Gene: CPLANE1 (ciliogenesis and planar polarity effector complex subunit 1; minus strand). Cytogenetic location: 5p13.2.
Variant type: single nucleotide variant.
Coding change: c.2663A>T on transcript NM_001384732.1 (MANE Select); coding-DNA position 2663, A replaced by T.
Protein change: p.Asp888Val; replaces aspartic acid 888 with valine.
Molecular consequence: missense variant.
Genome position (GRCh38, 1-based): chr5:37,221,407, T>A on the plus strand (A>T on the coding strand, the complement: CPLANE1 is on the minus strand). VCF-style: chr5-37221407-T-A. GRCh37 (hg19) VCF-style: chr5-37221509-T-A.
Other names: p.Asp888Val; c.2663A>T, p.Asp888Val (NM_023073.4); short protein forms D888V.
Identifiers: ClinVar variation 4541043 (VCV004541043.1).